The following is an entry in ClinVar:

ClinVar aggregate classification (germline): Uncertain significance (1 of 4 stars; one submission).

Conditions:
Long QT syndrome (LQTS). Identifiers: MedGen C0023976, MeSH D008133, MONDO:0002442. Disease mechanism: loss of function. Inheritance: Various modes of inheritance.

Submission:

Labcorp Genetics (formerly Invitae), Labcorp
Classification: Uncertain significance for Long QT syndrome. Last evaluated: 2021-06-08. Review status: criteria provided, single submitter. Criteria: Invitae Variant Classification Sherloc (09022015). Collection method: clinical testing. Allele origin: germline.
Comment: This sequence change replaces histidine with glutamine at codon 1818 of the ANK2 protein (p.His1818Gln). The histidine residue is weakly conserved and there is a small physicochemical difference between histidine and glutamine. This variant is not present in population databases (ExAC no frequency). This variant has not been reported in the literature in individuals with ANK2-related conditions. Algorithms developed to predict the effect of missense changes on protein structure and function (SIFT, PolyPhen-2, Align-GVGD) all suggest that this variant is likely to be tolerated, but these predictions have not been confirmed by published functional studies and their clinical significance is uncertain. In summary, the available evidence is currently insufficient to determine the role of this variant in disease. Therefore, it has been classified as a Variant of Uncertain Significance.

NM_001148.6(ANK2):c.5454T>G (p.His1818Gln)

Genes: ANK2 (ankyrin 2; plus strand), LOC126807136 (MED14-independent group 3 enhancer GRCh37_chr4:114274931-114276130; plus strand). Cytogenetic location: 4q26.
Variant type: single nucleotide variant.
Coding change: c.5454T>G on transcript NM_001148.6 (MANE Select); coding-DNA position 5454, T replaced by G.
Protein change: p.His1818Gln; replaces histidine 1818 with glutamine.
Molecular consequence: missense variant. On other transcripts: intron variant (68).
Genome position (GRCh38, 1-based): chr4:113,354,072, T>G. VCF-style: chr4-113354072-T-G. GRCh37 (hg19) VCF-style: chr4-114275228-T-G.
Other names: c.5220T>G, p.His1740Gln (NM_001386142.1); c.1854T>G, p.His618Gln (NM_001386166.1); c.5595T>G, p.His1865Gln (NM_001386174.1); c.5571T>G, p.His1857Gln (NM_001386175.1); c.4411+3823T>G (NM_001386186.2, NM_001386148.2); c.4213+3823T>G (NM_001354269.3); c.4291+3823T>G (NM_001386187.2); c.4252+3823T>G (NM_001386147.1); and 35 more; short protein forms H618Q, H1740Q, H1818Q, H1857Q, H1865Q.
Identifiers: ClinVar variation 1432333 (VCV001432333.8), dbSNP rs2154019711, ClinGen allele CA357919628.